The following is an entry in ClinVar:

ClinVar aggregate classification (germline): Uncertain significance (1 of 4 stars; one submission).

Conditions:
Inclusion body myopathy with early-onset Paget disease with or without frontotemporal dementia 2 (IBMPFD2). Also called: MULTISYSTEM PROTEINOPATHY 2. Identifiers: MedGen C3809468, MONDO:0014178, OMIM 615422.

Allele frequency attached by ClinVar (database versions not stated): ExAC 0.00001.

Submission:

Labcorp Genetics (formerly Invitae), Labcorp
Classification: Uncertain significance for Inclusion body myopathy with early-onset Paget disease with or without frontotemporal dementia 2. Last evaluated: 2025-07-10. Review status: criteria provided, single submitter. Criteria: Invitae Variant Classification Sherloc (09022015). Collection method: clinical testing. Allele origin: germline.
Comment: This sequence change replaces isoleucine, which is neutral and non-polar, with leucine, which is neutral and non-polar, at codon 143 of the HNRNPA2B1 protein (p.Ile143Leu). This variant is present in population databases (rs769596479, gnomAD 0.0009%). This variant has not been reported in the literature in individuals affected with HNRNPA2B1-related conditions. ClinVar contains an entry for this variant (Variation ID: 2800373). Invitae Evidence Modeling of protein sequence and biophysical properties (such as structural, functional, and spatial information, amino acid conservation, physicochemical variation, residue mobility, and thermodynamic stability) indicates that this missense variant is not expected to disrupt HNRNPA2B1 protein function with a negative predictive value of 80%. In summary, the available evidence is currently insufficient to determine the role of this variant in disease. Therefore, it has been classified as a Variant of Uncertain Significance.

NM_002137.4(HNRNPA2B1):c.391A>T (p.Ile131Leu)

Gene: HNRNPA2B1 (heterogeneous nuclear ribonucleoprotein A2/B1; minus strand). Cytogenetic location: 7p15.2.
Variant type: single nucleotide variant.
Coding change: c.391A>T on transcript NM_002137.4 (MANE Select); coding-DNA position 391, A replaced by T.
Protein change: p.Ile131Leu; replaces isoleucine 131 with leucine.
Molecular consequence: missense variant.
Genome position (GRCh38, 1-based): chr7:26,196,891, T>A on the plus strand (A>T on the coding strand, the complement: HNRNPA2B1 is on the minus strand). VCF-style: chr7-26196891-T-A. GRCh37 (hg19) VCF-style: chr7-26236511-T-A.
Other names: c.427A>T, p.Ile143Leu (NM_031243.4); short protein forms I143L, I131L.
Identifiers: ClinVar variation 2800373 (VCV002800373.3), dbSNP rs769596479, ClinGen allele CA4194679.